The following is an entry in ClinVar:

NM_003482.4(KMT2D):c.14822T>G (p.Leu4941Trp)

Gene: KMT2D (lysine methyltransferase 2D; minus strand). Cytogenetic location: 12q13.12.
Variant type: single nucleotide variant.
Coding change: c.14822T>G on transcript NM_003482.4 (MANE Select); coding-DNA position 14822, T replaced by G.
Protein change: p.Leu4941Trp; replaces leucine 4941 with tryptophan.
Molecular consequence: missense variant.
Genome position (GRCh38, 1-based): chr12:49,027,144, A>C on the plus strand (T>G on the coding strand, the complement: KMT2D is on the minus strand). VCF-style: chr12-49027144-A-C. GRCh37 (hg19) VCF-style: chr12-49420927-A-C.
Other names: short protein forms L4941W.
Identifiers: ClinVar variation 4801180 (VCV004801180.1).
Genomic context (GRCh38, chr12:49,027,144, plus strand): 5'-GGTCGGGCTGATTCAGGGGATGAGGCCAGTGGCAGAGGTGAGGGGACGGGTGGCTCAGCC[A>C]AGGGTTCGGTGGGAAGTTCAACCAAGGGCTCAGTAGGGGGACTGGCAGGAGAAGGTGCCA-3'
Protein context (NP_003473.3, residues 4931-4951): EPLVELPTEP[Leu4941Trp]AEPPVPSPLP

ClinVar aggregate classification (germline): Uncertain significance (1 of 4 stars; one submission).

Conditions:
Kabuki syndrome. Also called: NIIKAWA-KUROKI SYNDROME; Kabuki make-up syndrome. Identifiers: Orphanet 2322, MedGen C0796004, MONDO:0016512.

Submission:

Labcorp Genetics (formerly Invitae), Labcorp
Classification: Uncertain significance for Kabuki syndrome. Last evaluated: 2025-10-12. Review status: criteria provided, single submitter. Criteria: Invitae Variant Classification Sherloc (09022015). Collection method: clinical testing. Allele origin: germline.
Comment: This sequence change replaces leucine, which is neutral and non-polar, with tryptophan, which is neutral and slightly polar, at codon 4941 of the KMT2D protein (p.Leu4941Trp). This variant is not present in population databases (gnomAD no frequency). This variant has not been reported in the literature in individuals affected with KMT2D-related conditions. Invitae Evidence Modeling of protein sequence and biophysical properties (such as structural, functional, and spatial information, amino acid conservation, physicochemical variation, residue mobility, and thermodynamic stability) indicates that this missense variant is not expected to disrupt KMT2D protein function with a negative predictive value of 95%. In summary, the available evidence is currently insufficient to determine the role of this variant in disease. Therefore, it has been classified as a Variant of Uncertain Significance.